The following is an entry in ClinVar:

NM_014956.5(CEP164):c.698G>A (p.Ser233Asn)

Gene: CEP164 (centrosomal protein 164; plus strand). Cytogenetic location: 11q23.3.
Variant type: single nucleotide variant.
Coding change: c.698G>A on transcript NM_014956.5 (MANE Select); coding-DNA position 698, G replaced by A.
Protein change: p.Ser233Asn; replaces serine 233 with asparagine.
Molecular consequence: missense variant.
Genome position (GRCh38, 1-based): chr11:117,363,439, G>A. VCF-style: chr11-117363439-G-A. GRCh37 (hg19) VCF-style: chr11-117234155-G-A.
Other names: c.698G>A, p.Ser233Asn (NM_001271933.2); short protein forms S233N.
Identifiers: ClinVar variation 1408673 (VCV001408673.6), dbSNP rs755237805, ClinGen allele CA6294564.

ClinVar aggregate classification (germline): Uncertain significance (1 of 4 stars; one submission).

Conditions:
Nephronophthisis 15 (NPHP15). Identifiers: Orphanet 3156, MedGen C3541853, MONDO:0013917, OMIM 614845.

Allele frequency attached by ClinVar (database versions not stated): gnomAD 0.00001; TOPMed 0.00001; ExAC 0.00001; gnomAD exomes 0.00001.
gnomAD v4.1: 13 of 1,613,518 alleles (0.00081%); highest among the groups gnomAD compares: South Asian, 0.0011%; no homozygotes.

Submission:

Labcorp Genetics (formerly Invitae), Labcorp
Classification: Uncertain significance for Nephronophthisis 15. Last evaluated: 2024-01-19. Review status: criteria provided, single submitter. Criteria: Invitae Variant Classification Sherloc (09022015). Collection method: clinical testing. Allele origin: germline.
Comment: This sequence change replaces serine, which is neutral and polar, with asparagine, which is neutral and polar, at codon 233 of the CEP164 protein (p.Ser233Asn). This variant is present in population databases (rs755237805, gnomAD 0.003%). This variant has not been reported in the literature in individuals affected with CEP164-related conditions. ClinVar contains an entry for this variant (Variation ID: 1408673). An algorithm developed to predict the effect of missense changes on protein structure and function (PolyPhen-2) suggests that this variant is likely to be disruptive. In summary, the available evidence is currently insufficient to determine the role of this variant in disease. Therefore, it has been classified as a Variant of Uncertain Significance.